The following is an entry in ClinVar:

ClinVar aggregate classification (germline): Uncertain significance (1 of 4 stars; one submission).

Conditions:
Brachyolmia-amelogenesis imperfecta syndrome. Also called: PLATYSPONDYLY WITH AMELOGENESIS IMPERFECTA; Tooth agenesis, selective, 6; Dental anomalies and short stature. Identifiers: Orphanet 2899, MedGen C1832594, MONDO:0011018, OMIM 601216. Disease mechanism: loss of function.

Submission:

Labcorp Genetics (formerly Invitae), Labcorp
Classification: Uncertain significance for Brachyolmia-amelogenesis imperfecta syndrome. Last evaluated: 2024-11-25. Review status: criteria provided, single submitter. Criteria: Invitae Variant Classification Sherloc (09022015). Collection method: clinical testing. Allele origin: germline.
Comment: This sequence change replaces valine, which is neutral and non-polar, with leucine, which is neutral and non-polar, at codon 700 of the LTBP3 protein (p.Val700Leu). This variant is not present in population databases (gnomAD no frequency). This variant has not been reported in the literature in individuals affected with LTBP3-related conditions. An algorithm developed to predict the effect of missense changes on protein structure and function outputs the following: PolyPhen-2: "Benign". The leucine amino acid residue is found in multiple mammalian species, which suggests that this missense change does not adversely affect protein function. In summary, the available evidence is currently insufficient to determine the role of this variant in disease. Therefore, it has been classified as a Variant of Uncertain Significance.

NM_001130144.3(LTBP3):c.2098G>T (p.Val700Leu)

Gene: LTBP3 (latent transforming growth factor beta binding protein 3; minus strand). Cytogenetic location: 11q13.1.
Variant type: single nucleotide variant.
Coding change: c.2098G>T on transcript NM_001130144.3 (MANE Select); coding-DNA position 2098, G replaced by T.
Protein change: p.Val700Leu; replaces valine 700 with leucine.
Molecular consequence: missense variant.
Genome position (GRCh38, 1-based): chr11:65,547,448, C>A on the plus strand (G>T on the coding strand, the complement: LTBP3 is on the minus strand). VCF-style: chr11-65547448-C-A. GRCh37 (hg19) VCF-style: chr11-65314919-C-A.
Other names: c.1747G>T, p.Val583Leu (NM_001164266.1); c.2098G>T, p.Val700Leu (NM_021070.4); short protein forms V583L, V700L.
Identifiers: ClinVar variation 3726009 (VCV003726009.2).
Genomic context (GRCh38, chr11:65,547,448, plus strand): 5'-TGGAGAGACAGCTAAGGAGCTCCTTCTTTGGTCTGAATGGGGTCCCCTCACCTTCGCACA[C>A]AGGAGGCCGGGAGGCTTTGAGCCGGTAGCCGGGGTAGCAGTTGCACTTGTAGTGACCGGG-3'
Protein context (NP_001123616.1, residues 690-710): GYRLKASRPP[Val700Leu]CEDIDECRDP